The following is an entry in ClinVar:

ClinVar aggregate classification (germline): Uncertain significance (1 of 4 stars; one submission).

gnomAD v4.1: 2 of 1,614,036 alleles (0.00012%); highest among the groups gnomAD compares: Admixed American, 0.0017%; no homozygotes.

Submission:

GeneDx
Classification: Uncertain significance. Last evaluated: 2017-03-30. Review status: criteria provided, single submitter. Criteria: GeneDx Variant Classification (06012015). Collection method: clinical testing. Allele origin: germline. Affected: yes.
Comment: The M4091V variant in the USH2A gene has not been reported previously as a pathogenic variant, nor as a benign variant, to our knowledge. The M4091V variant is not observed in large population cohorts (Lek et al., 2016; 1000 Genomes Consortium et al., 2015; Exome Variant Server). The M4091V variant is a conservative amino acid substitution, which is not likely to impact secondary protein structure as these residues share similar properties. This substitution occurs at a position that is not conserved. In silico analysis predicts this variant likely does not alter the protein structure/function. Missense variants in nearby residues (W4087C, P4090T, G4095D) have been reported in the Human Gene Mutation Database in association with USH2A-related disorders (Stenson et al., 2014), supporting the functional importance of this region of the protein. We interpret M4091V as a variant of uncertain significance.

NM_206933.4(USH2A):c.12271A>G (p.Met4091Val)

Gene: USH2A (usherin; minus strand). Cytogenetic location: 1q41.
Variant type: single nucleotide variant.
Coding change: c.12271A>G on transcript NM_206933.4 (MANE Select); coding-DNA position 12271, A replaced by G.
Protein change: p.Met4091Val; replaces methionine 4091 with valine.
Molecular consequence: missense variant.
Genome position (GRCh38, 1-based): chr1:215,680,172, T>C on the plus strand (A>G on the coding strand, the complement: USH2A is on the minus strand). VCF-style: chr1-215680172-T-C. GRCh37 (hg19) VCF-style: chr1-215853514-T-C.
Other names: short protein forms M4091V.
Identifiers: ClinVar variation 426867 (VCV000426867.2), dbSNP rs144168442, ClinGen allele CA344815829.